The following is an entry in ClinVar:

NM_172351.3(CD46):c.17G>T (p.Arg6Leu)

Genes: CD46 (CD46 molecule; plus strand), LOC129932405 (ATAC-STARR-seq lymphoblastoid active region 2449; plus strand). Cytogenetic location: 1q32.2.
Variant type: single nucleotide variant.
Coding change: c.17G>T on transcript NM_172351.3 (MANE Select); coding-DNA position 17, G replaced by T.
Protein change: p.Arg6Leu; replaces arginine 6 with leucine.
Molecular consequence: missense variant.
Genome position (GRCh38, 1-based): chr1:207,752,229, G>T. VCF-style: chr1-207752229-G-T. GRCh37 (hg19) VCF-style: chr1-207925574-G-T.
Other names: c.17G>T, p.Arg6Leu (NM_002389.4, NM_153826.4, NM_172350.3 and 8 more transcripts); short protein forms R6L.
Identifiers: ClinVar variation 1415199 (VCV001415199.6), dbSNP rs749796669, ClinGen allele CA1371510.

ClinVar aggregate classification (germline): Uncertain significance (1 of 4 stars; one submission).

Allele frequency attached by ClinVar (database versions not stated): gnomAD exomes below 0.00001; ExAC 0.00001.
gnomAD v4.1: 1 of 1,613,964 alleles (0.000062%); highest among the groups gnomAD compares: Middle Eastern, 0.016%; no homozygotes.

Submission:

Labcorp Genetics (formerly Invitae), Labcorp
Classification: Uncertain significance. Last evaluated: 2022-05-29. Review status: criteria provided, single submitter. Criteria: Invitae Variant Classification Sherloc (09022015). Collection method: clinical testing. Allele origin: germline.
Comment: This sequence change replaces arginine, which is basic and polar, with leucine, which is neutral and non-polar, at codon 6 of the CD46 protein (p.Arg6Leu). The frequency data for this variant in the population databases is considered unreliable, as metrics indicate poor data quality at this position in the gnomAD database. This variant has not been reported in the literature in individuals affected with CD46-related conditions. ClinVar contains an entry for this variant (Variation ID: 1415199). Algorithms developed to predict the effect of missense changes on protein structure and function output the following: SIFT: "Tolerated"; PolyPhen-2: "Probably Damaging"; Align-GVGD: "Class C0". The leucine amino acid residue is found in multiple mammalian species, which suggests that this missense change does not adversely affect protein function. In summary, the available evidence is currently insufficient to determine the role of this variant in disease. Therefore, it has been classified as a Variant of Uncertain Significance.